The following is an entry in ClinVar:

ClinVar aggregate classification (germline): Benign. Review status: criteria provided, multiple submitters, no conflicts (2 of 4 stars). 4 submissions from 4 submitters: Benign (4). Last evaluated 2026-02-02.

Conditions:
Autosomal dominant mitochondrial myopathy with exercise intolerance (IMMD). Also called: Myopathy, isolated mitochondrial, autosomal dominant. Identifiers: Orphanet 457050, MedGen C4015513, MONDO:0014532, OMIM 616209.
Lower motor neuron syndrome with late-adult onset (SMAJ). Also called: Spinal muscular atrophy, Jokela type; Late-Onset Spinal Motor Neuronopathy (SMAJ). Identifiers: Orphanet 276435, MedGen C3554398, MONDO:0014025, OMIM 615048.
Frontotemporal dementia and/or amyotrophic lateral sclerosis 2. Also called: FTDALS2. Identifiers: Orphanet 275872, MedGen C4014648, MONDO:0014395, OMIM 615911.

Allele frequency attached by ClinVar (database versions not stated): gnomAD exomes 0.00518 and 0.01319; gnomAD 0.05376 and 0.05316; 1000 Genomes Project 30x 0.06355; ExAC 0.02805; TOPMed 0.05994; ESP Exome Variant Server 0.06038; 1000 Genomes Project 0.05911.

Submissions (4):

Labcorp Genetics (formerly Invitae), Labcorp
Classification: Benign for Lower motor neuron syndrome with late-adult onset; Frontotemporal dementia and/or amyotrophic lateral sclerosis 2; Autosomal dominant mitochondrial myopathy with exercise intolerance. Last evaluated: 2026-02-02. Review status: criteria provided, single submitter. Criteria: Invitae Variant Classification Sherloc (09022015). Collection method: clinical testing. Allele origin: germline.

Mayo Clinic Laboratories, Mayo Clinic
Classification: Benign. Last evaluated: 2023-01-19. Review status: criteria provided, single submitter. Criteria: ACMG Guidelines, 2015. Collection method: clinical testing. Allele origin: germline. Observed: 97 variant alleles.
Comment: BA1, BP4

GeneDx
Classification: Benign. Last evaluated: 2018-10-01. Review status: criteria provided, single submitter. Criteria: GeneDx Variant Classification Process June 2021. Collection method: clinical testing. Allele origin: germline. Affected: yes.
Comment: This variant is associated with the following publications: (PMID: 29519717)

Breakthrough Genomics
Classification: Benign. Review status: criteria provided, single submitter. Criteria: ACMG Guidelines, 2015. Collection method: not provided. Allele origin: germline. Inheritance: Autosomal dominant inheritance. Affected: yes.

Literature cited by the submitters: PubMed 25726362 (cited by Mayo Clinic Laboratories, Mayo Clinic); PubMed 26152333 (cited by Mayo Clinic Laboratories, Mayo Clinic); PubMed 27095681 (cited by Mayo Clinic Laboratories, Mayo Clinic); PubMed 28069311 (cited by Mayo Clinic Laboratories, Mayo Clinic); PubMed 29519717 (cited by Mayo Clinic Laboratories, Mayo Clinic); PubMed 30014597 (cited by Mayo Clinic Laboratories, Mayo Clinic); PubMed 31690696 (cited by Mayo Clinic Laboratories, Mayo Clinic).

NM_213720.3(CHCHD10):c.286C>A (p.Pro96Thr)

Gene: CHCHD10 (coiled-coil-helix-coiled-coil-helix domain containing 10; minus strand). Cytogenetic location: 22q11.23.
Variant type: single nucleotide variant.
Coding change: c.286C>A on transcript NM_213720.3 (MANE Select); coding-DNA position 286, C replaced by A.
Protein change: p.Pro96Thr; replaces proline 96 with threonine.
Molecular consequence: missense variant. On other transcripts: non-coding transcript variant (2).
Genome position (GRCh38, 1-based): chr22:23,766,251, G>T on the plus strand (C>A on the coding strand, the complement: CHCHD10 is on the minus strand). VCF-style: chr22-23766251-G-T. GRCh37 (hg19) VCF-style: chr22-24108438-G-T.
Other names: p.Pro96Thr; c.307C>A, p.Pro103Thr (NM_001301339.2); short protein forms P96T, P103T.
Identifiers: ClinVar variation 473424 (VCV000473424.16), dbSNP rs111677724, ClinGen allele CA10145267.